The following is an entry in ClinVar:

NM_000222.3(KIT):c.1552C>T (p.Pro518Ser)

Gene: KIT (KIT proto-oncogene, receptor tyrosine kinase; plus strand). Cytogenetic location: 4q12.
Variant type: single nucleotide variant.
Coding change: c.1552C>T on transcript NM_000222.3 (MANE Select); coding-DNA position 1552, C replaced by T.
Protein change: p.Pro518Ser; replaces proline 518 with serine.
Molecular consequence: missense variant.
Genome position (GRCh38, 1-based): chr4:54,727,229, C>T. VCF-style: chr4-54727229-C-T. GRCh37 (hg19) VCF-style: chr4-55593395-C-T.
Other names: c.1540C>T, p.Pro514Ser (NM_001093772.2, NM_001385286.1); c.1555C>T, p.Pro519Ser (NM_001385284.1, NM_001385290.1); c.1552C>T, p.Pro518Ser (NM_001385285.1); c.1543C>T, p.Pro515Ser (NM_001385288.1, NM_001385292.1); short protein forms P518S, P514S, P515S, P519S.
Identifiers: ClinVar variation 571575 (VCV000571575.10), dbSNP rs1560416964, ClinGen allele CA356906890.
Genomic context (GRCh38, chr4:54,727,229, plus strand): 5'-GATCCCATCCTGCCAAAGTTTGTGATTCCACATTTCTCTTCCATTGTAGAGCAAATCCAT[C>T]CCCACACCCTGTTCACTCCTTTGCTGATTGGTTTCGTAATCGTAGCTGGCATGATGTGCA-3'
Protein context (NP_000213.1, residues 508-528): FKGNNKEQIH[Pro518Ser]HTLFTPLLIG

ClinVar aggregate classification (germline): Conflicting classifications of pathogenicity. Review status: criteria provided, conflicting classifications (1 of 4 stars). 3 submissions from 3 submitters: Uncertain significance (2); Likely benign (1). Last evaluated 2025-12-13.

Conditions:
Gastrointestinal stromal tumor. Also called: Gastrointestinal stromal tumor, somatic; Gastrointestinal stroma tumor. Identifiers: Orphanet 44890, MedGen C0238198, MeSH D046152, MONDO:0011719, OMIM 606764, HP:0100723.
Hereditary cancer-predisposing syndrome. Also called: Hereditary neoplastic syndrome; Neoplastic Syndromes, Hereditary; Hereditary Cancer Syndrome; Tumor predisposition. Identifiers: Orphanet 140162, MedGen C0027672, MeSH D009386, MONDO:0015356.

Allele frequency attached by ClinVar (database versions not stated): TOPMed 0.00001.

Submissions (3):

Ambry Genetics
Classification: Uncertain significance for Hereditary cancer-predisposing syndrome. Last evaluated: 2025-12-13. Review status: criteria provided, single submitter. Criteria: Ambry Variant Classification Scheme 2023. Collection method: clinical testing. Allele origin: germline.
Comment: The p.P518S variant (also known as c.1552C>T), located in coding exon 10 of the KIT gene, results from a C to T substitution at nucleotide position 1552. The proline at codon 518 is replaced by serine, an amino acid with similar properties. This amino acid position is conserved. In addition, this alteration is predicted to be tolerated by in silico analysis. Since supporting evidence is limited at this time, the clinical significance of this alteration remains unclear.

Labcorp Genetics (formerly Invitae), Labcorp
Classification: Uncertain significance for Gastrointestinal stromal tumor. Last evaluated: 2024-01-28. Review status: criteria provided, single submitter. Criteria: Invitae Variant Classification Sherloc (09022015). Collection method: clinical testing. Allele origin: germline.
Comment: This sequence change replaces proline, which is neutral and non-polar, with serine, which is neutral and polar, at codon 518 of the KIT protein (p.Pro518Ser). This variant is not present in population databases (gnomAD no frequency). This variant has not been reported in the literature in individuals affected with KIT-related conditions. ClinVar contains an entry for this variant (Variation ID: 571575). Algorithms developed to predict the effect of missense changes on protein structure and function output the following: SIFT: "Not Available"; PolyPhen-2: "Benign"; Align-GVGD: "Not Available". The serine amino acid residue is found in multiple mammalian species, which suggests that this missense change does not adversely affect protein function. In summary, the available evidence is currently insufficient to determine the role of this variant in disease. Therefore, it has been classified as a Variant of Uncertain Significance.

Blueprint Genetics
Classification: Likely benign. Last evaluated: 2023-12-18. Review status: criteria provided, single submitter. Criteria: ACMG Guidelines, 2015. Collection method: clinical testing. Allele origin: germline.